The following is an entry in ClinVar:

NM_032119.4(ADGRV1):c.1546G>A (p.Gly516Ser)

Gene: ADGRV1 (adhesion G protein-coupled receptor V1; plus strand). Cytogenetic location: 5q14.3.
Variant type: single nucleotide variant.
Coding change: c.1546G>A on transcript NM_032119.4 (MANE Select); coding-DNA position 1546, G replaced by A.
Protein change: p.Gly516Ser; replaces glycine 516 with serine.
Molecular consequence: missense variant. On other transcripts: non-coding transcript variant (1).
Genome position (GRCh38, 1-based): chr5:90,629,246, G>A. VCF-style: chr5-90629246-G-A. GRCh37 (hg19) VCF-style: chr5-89925063-G-A.
Other names: short protein forms G516S.
Identifiers: ClinVar variation 2121211 (VCV002121211.4), dbSNP rs1765183931, ClinGen allele CA360373273.

ClinVar aggregate classification (germline): Uncertain significance (1 of 4 stars; one submission).

Allele frequency attached by ClinVar (database versions not stated): gnomAD exomes below 0.00001; gnomAD 0.00001.
gnomAD v4.1: 2 of 1,609,870 alleles (0.00012%); highest among the groups gnomAD compares: African/African-American, 0.0027%; no homozygotes.

Submission:

Labcorp Genetics (formerly Invitae), Labcorp
Classification: Uncertain significance. Last evaluated: 2023-07-17. Review status: criteria provided, single submitter. Criteria: Invitae Variant Classification Sherloc (09022015). Collection method: clinical testing. Allele origin: germline.
Comment: In summary, the available evidence is currently insufficient to determine the role of this variant in disease. Therefore, it has been classified as a Variant of Uncertain Significance. Algorithms developed to predict the effect of sequence changes on RNA splicing suggest that this variant may disrupt the consensus splice site. Advanced modeling of protein sequence and biophysical properties (such as structural, functional, and spatial information, amino acid conservation, physicochemical variation, residue mobility, and thermodynamic stability) has been performed at Invitae for this missense variant, however the output from this modeling did not meet the statistical confidence thresholds required to predict the impact of this variant on ADGRV1 protein function. ClinVar contains an entry for this variant (Variation ID: 2121211). This variant has not been reported in the literature in individuals affected with ADGRV1-related conditions. This variant is not present in population databases (gnomAD no frequency). This sequence change replaces glycine, which is neutral and non-polar, with serine, which is neutral and polar, at codon 516 of the ADGRV1 protein (p.Gly516Ser).